The following is an entry in ClinVar:

NM_004655.4(AXIN2):c.957-5C>T

Gene: AXIN2 (axin 2; minus strand). Cytogenetic location: 17q24.1.
Variant type: single nucleotide variant.
Coding change: c.957-5C>T on transcript NM_004655.4 (MANE Select); 5 bases into the intron before coding-DNA position 957, C replaced by T.
Molecular consequence: intron variant.
Genome position (GRCh38, 1-based): chr17:65,541,562, G>A on the plus strand (C>T on the coding strand, the complement: AXIN2 is on the minus strand). VCF-style: chr17-65541562-G-A. GRCh37 (hg19) VCF-style: chr17-63537680-G-A.
Other names: c.957-5C>T (NM_001363813.1, LRG_296t1).
Identifiers: ClinVar variation 415212 (VCV000415212.15), dbSNP rs1060504482, ClinGen allele CA16615609.
Genomic context (GRCh38, chr17:65,541,562, plus strand): 5'-GCATTTCTCTCTGGAGCTGTTTCTTACTGCCCACACGATAAGGAGGAATTCCATCTCTAA[G>A]GGAAAGGAAAAGACAGAATCCACAGGCTTACGAGGATGTTTTCAGCACATCACATGGGCT-3'

ClinVar aggregate classification (germline): Conflicting classifications of pathogenicity. Review status: criteria provided, conflicting classifications (1 of 4 stars). 4 submissions from 4 submitters: Uncertain significance (1); Likely benign (3). Last evaluated 2024-11-24.

Conditions:
Oligodontia-cancer predisposition syndrome. Also called: TOOTH AGENESIS-COLORECTAL CANCER SYNDROME. Identifiers: Orphanet 300576, MedGen C1837750, MONDO:0012075, OMIM 608615. Disease mechanism: loss of function.
Hereditary cancer-predisposing syndrome. Also called: Tumor predisposition; Neoplastic Syndromes, Hereditary; Hereditary neoplastic syndrome; Hereditary Cancer Syndrome. Identifiers: Orphanet 140162, MedGen C0027672, MeSH D009386, MONDO:0015356.

Allele frequency attached by ClinVar (database versions not stated): TOPMed below 0.00001.

Submissions (4):

Labcorp Genetics (formerly Invitae), Labcorp
Classification: Likely benign for Oligodontia-cancer predisposition syndrome. Last evaluated: 2024-11-24. Review status: criteria provided, single submitter. Criteria: Invitae Variant Classification Sherloc (09022015). Collection method: clinical testing. Allele origin: germline.

Myriad Genetics, Inc.
Classification: Likely benign for Oligodontia-cancer predisposition syndrome. Last evaluated: 2024-06-28. Review status: criteria provided, single submitter. Criteria: Myriad Autosomal Dominant, Autosomal Recessive and X-Linked Classification Criteria (2023). Collection method: clinical testing. Allele origin: unknown.
Comment: This variant is considered likely benign. This variant is intronic and is not expected to impact mRNA splicing.

Ambry Genetics
Classification: Uncertain significance for Hereditary cancer-predisposing syndrome. Last evaluated: 2021-02-17. Review status: criteria provided, single submitter. Criteria: Ambry Variant Classification Scheme 2023. Collection method: clinical testing. Allele origin: germline.
Comment: The c.957-5C>T intronic variant results from a C to T substitution 5 nucleotides upstream from coding exon 3 in the AXIN2 gene. This nucleotide position is highly conserved in available vertebrate species. In silico splice site analysis predicts that this alteration will not have any significant effect on splicing. Since supporting evidence is limited at this time, the clinical significance of this alteration remains unclear.

GeneDx
Classification: Likely benign. Last evaluated: 2019-05-17. Review status: criteria provided, single submitter. Criteria: GeneDx Variant Classification Process June 2021. Collection method: clinical testing. Allele origin: germline. Affected: yes.